The following is an entry in ClinVar:

ClinVar aggregate classification (germline): Uncertain significance (1 of 4 stars; one submission).

Conditions:
Familial thoracic aortic aneurysm and aortic dissection (TAAD). Also called: Thoracic aortic aneurysms and dissections. Identifiers: Orphanet 91387, MedGen C4707243, MONDO:0019625.

Allele frequency attached by ClinVar (database versions not stated): gnomAD exomes below 0.00001; gnomAD 0.00001.
gnomAD v4.1: 4 of 1,614,084 alleles (0.00025%); highest among the groups gnomAD compares: Non-Finnish European, 0.00034%; no homozygotes.

Submission:

Color Diagnostics, LLC DBA Color Health
Classification: Uncertain significance for Familial thoracic aortic aneurysm and aortic dissection. Last evaluated: 2023-12-05. Review status: criteria provided, single submitter. Criteria: ACMG Guidelines, 2015. Collection method: clinical testing. Allele origin: germline.
Comment: This missense variant replaces glycine with serine at codon 46 of the FBN1 protein. Computational prediction tools and conservation analyses are inconclusive regarding the impact of this variant on the protein function. Computational splicing tools suggest that this variant may not impact RNA splicing. To our knowledge, functional assays have not been performed for this variant nor has this variant been reported in individuals affected with cardiovascular disorders in the literature. This variant has not been identified in the general population by the Genome Aggregation Database (gnomAD). Available evidence is insufficient to determine the role of this variant in disease conclusively. Therefore, this variant is classified as a Variant of Uncertain Significance.

NM_000138.5(FBN1):c.136G>A (p.Gly46Ser)

Gene: FBN1 (fibrillin 1; minus strand). Cytogenetic location: 15q21.1.
Variant type: single nucleotide variant.
Coding change: c.136G>A on transcript NM_000138.5 (MANE Select); coding-DNA position 136, G replaced by A.
Protein change: p.Gly46Ser; replaces glycine 46 with serine.
Molecular consequence: missense variant.
Genome position (GRCh38, 1-based): chr15:48,644,634, C>T on the plus strand (G>A on the coding strand, the complement: FBN1 is on the minus strand). VCF-style: chr15-48644634-C-T. GRCh37 (hg19) VCF-style: chr15-48936831-C-T.
Other names: short protein forms G46S.
Identifiers: ClinVar variation 924196 (VCV000924196.5), dbSNP rs1890259021, ClinGen allele CA392453529.
Genomic context (GRCh38, chr15:48,644,634, plus strand): 5'-CCCACACCAAAGGAGGGAACCGGTTCCTTTACCCTTTAAGCGCGTCGTGTCCTCCACCGC[C>T]TCTTCTCTTGGCCCGACTGGCTCTGGTTTCCTTCACGTTCCCAGCCTCCAAATTGGCGTC-3'
Protein context (NP_000129.3, residues 36-56): ETRASRAKRR[Gly46Ser]GGGHDALKGP